The following is an entry in ClinVar:

ClinVar aggregate classification (germline): Uncertain significance. Review status: criteria provided, multiple submitters, no conflicts (2 of 4 stars). 3 submissions from 3 submitters: Uncertain significance (3). Last evaluated 2024-07-31.

Conditions:
Spastic paraplegia. Identifiers: MedGen C0037772, HP:0001258.
Inborn genetic diseases. Identifiers: MedGen C0950123, MeSH D030342.
Hereditary spastic paraplegia 15 (SPG15). Also called: SPASTIC PARAPLEGIA 15, AUTOSOMAL RECESSIVE; KJELLIN SYNDROME; SPASTIC PARAPLEGIA AND RETINAL DEGENERATION. Identifiers: Orphanet 100996, MedGen C1849128, MONDO:0010044, OMIM 270700.

Allele frequency attached by ClinVar (database versions not stated): gnomAD 0.00003; TOPMed 0.00004.
gnomAD v4.1: 24 of 1,614,012 alleles (0.0015%); highest among the groups gnomAD compares: Non-Finnish European, 0.0019%; no homozygotes.

Submissions (3):

Ambry Genetics
Classification: Uncertain significance for Inborn genetic diseases. Last evaluated: 2024-07-31. Review status: criteria provided, single submitter. Criteria: Ambry Variant Classification Scheme 2023. Collection method: clinical testing. Allele origin: germline.

Labcorp Genetics (formerly Invitae), Labcorp
Classification: Uncertain significance for Spastic paraplegia. Last evaluated: 2022-07-17. Review status: criteria provided, single submitter. Criteria: Invitae Variant Classification Sherloc (09022015). Collection method: clinical testing. Allele origin: germline.
Comment: This sequence change replaces glutamic acid, which is acidic and polar, with aspartic acid, which is acidic and polar, at codon 1929 of the ZFYVE26 protein (p.Glu1929Asp). This variant is present in population databases (no rsID available, gnomAD 0.0008%). This variant has not been reported in the literature in individuals affected with ZFYVE26-related conditions. ClinVar contains an entry for this variant (Variation ID: 886118). Algorithms developed to predict the effect of missense changes on protein structure and function are either unavailable or do not agree on the potential impact of this missense change (SIFT: "Deleterious"; PolyPhen-2: "Possibly Damaging"; Align-GVGD: "Class C0"). In summary, the available evidence is currently insufficient to determine the role of this variant in disease. Therefore, it has been classified as a Variant of Uncertain Significance.

Illumina Laboratory Services, Illumina
Classification: Uncertain significance for Hereditary spastic paraplegia 15. Last evaluated: 2018-01-12. Review status: criteria provided, single submitter. Criteria: ICSL Variant Classification Criteria 13 December 2019. Collection method: clinical testing. Allele origin: germline.

NM_015346.4(ZFYVE26):c.5787G>T (p.Glu1929Asp)

Gene: ZFYVE26 (zinc finger FYVE-type containing 26; minus strand). Cytogenetic location: 14q24.1.
Variant type: single nucleotide variant.
Coding change: c.5787G>T on transcript NM_015346.4 (MANE Select); coding-DNA position 5787, G replaced by T.
Protein change: p.Glu1929Asp; replaces glutamic acid 1929 with aspartic acid.
Molecular consequence: missense variant.
Genome position (GRCh38, 1-based): chr14:67,767,707, C>A on the plus strand (G>T on the coding strand, the complement: ZFYVE26 is on the minus strand). VCF-style: chr14-67767707-C-A. GRCh37 (hg19) VCF-style: chr14-68234424-C-A.
Other names: short protein forms E1929D.
Identifiers: ClinVar variation 886118 (VCV000886118.6), dbSNP rs534207383, ClinGen allele CA262828874.